The following is an entry in ClinVar:

NM_002815.4(PSMD11):c.610C>G (p.Pro204Ala)

Gene: PSMD11 (proteasome 26S subunit, non-ATPase 11; plus strand). Cytogenetic location: 17q11.2.
Variant type: single nucleotide variant.
Coding change: c.610C>G on transcript NM_002815.4 (MANE Select); coding-DNA position 610, C replaced by G.
Protein change: p.Pro204Ala; replaces proline 204 with alanine.
Molecular consequence: missense variant.
Genome position (GRCh38, 1-based): chr17:32,469,160, C>G. VCF-style: chr17-32469160-C-G. GRCh37 (hg19) VCF-style: chr17-30796178-C-G.
Other names: c.610C>G, p.Pro204Ala (NM_001270482.2); short protein forms P204A.
Identifiers: ClinVar variation 5009836 (VCV005009836.1).

ClinVar aggregate classification (germline): Uncertain significance (1 of 4 stars; one submission).

Submission:

GeneDx
Classification: Uncertain significance. Last evaluated: 2026-02-23. Review status: criteria provided, single submitter. Criteria: GeneDx Variant Classification Process June 2021. Collection method: clinical testing. Allele origin: germline.
Comment: Not observed at significant frequency in large population cohorts (gnomAD); In silico analysis supports that this missense variant has a deleterious effect on protein structure/function; Has not been previously published as pathogenic or benign to our knowledge